The following is an entry in ClinVar:

ClinVar aggregate classification (germline): Pathogenic. Review status: reviewed by expert panel (3 of 4 stars). 8 submissions from 7 submitters: Pathogenic (1). 7 of the submissions do not count toward it. Last evaluated 2026-10-30.

Conditions:
RPGR-related retinopathy. Also called: RPGR retinopathy. Identifiers: MedGen CN305589, MONDO:0100437.
Retinal dystrophy. Also called: Inherited retinal dystrophy. Identifiers: Orphanet 71862, MedGen C0854723, MeSH D058499, MONDO:0019118, HP:0000556.
Primary ciliary dyskinesia. Also called: Ciliary dyskinesia. Identifiers: Orphanet 244, MedGen C0008780, MONDO:0016575, HP:0012265.
Retinitis pigmentosa 3. Also called: CHOROIDORETINAL DEGENERATION WITH RETINAL REFLEX IN HETEROZYGOUS WOMEN. Identifiers: Orphanet 791, MedGen C1845667, MONDO:0010227, OMIM 300029.

Submissions (8):

ClinGen X-linked Inherited Retinal Disease Variant Curation Expert Panel, ClinGen
Classification: Pathogenic for RPGR-related retinopathy. Last evaluated: 2026-10-30. Review status: reviewed by expert panel. Criteria: ClinGen X LinkedIRD ACMG Specifications RPGR V1.0.0. Collection method: curation. Allele origin: germline. Inheritance: X-linked inheritance.
Comment: NM_001034853.2(RPGR):c.2763_2764del (p.Glu922GlyfsTer?) is a frameshift variant due to deletion of 2 nucleotides and introduces a premature stop codon after 156 amino acids, which is predicted to disrupt a critical C-terminal region required for proper glutamylation of RPGR (PVS1, PMID: 36445968). This variant is absent from hemizygous individuals in gnomAD v4.1.2 (PM2_Supporting). This variant has been reported in at least 3 apparently unrelated probands meeting the PS4 requirement of some functional vision impairment in affected males by age 30 years, with decreased or absent cone and/or rod electroretinogram responses (PMIDs: 17325176, 36445968, 34985506, PS4_moderate). The variant has been reported to segregate with retinal dystrophy through at least 3 affected meioses from 1 family. (PP1; PMID: 23372056). In summary, this variant is classified as Pathogenic for RPGR-related retinopathy based on the ClinGen X-linked Inherited Retinal Disease Expert Panel Specifications to the ACMG/AMP Variant Interpretation Guidelines for RPGR Version 1.0.0: PVS1, PM2_supporting, PS4_Moderate, and PP1_Moderate.

Labcorp Genetics (formerly Invitae), Labcorp
Classification: Pathogenic for Primary ciliary dyskinesia. Last evaluated: 2025-05-04. Review status: criteria provided, single submitter. Criteria: Invitae Variant Classification Sherloc (09022015). Collection method: clinical testing. Allele origin: germline. Not counted in ClinVar's aggregate classification.
Comment: This sequence change creates a premature translational stop signal (p.Glu922Glyfs*156) in the RPGR (ORF15) gene. While this is not anticipated to result in nonsense mediated decay, it is expected to disrupt the last 231 amino acid(s) of the RPGR (ORF15) protein. This variant is not present in population databases (gnomAD no frequency). This premature translational stop signal has been observed in individual(s) with retinitis pigmentosa (PMID: 10932196, 23372056). This variant is also known as g.ORF15+1010_1011delGG. ClinVar contains an entry for this variant (Variation ID: 866114). This variant disrupts a region of the RPGR (ORF15) protein in which other variant(s) (p.Leu1130Lysfs*13) have been determined to be pathogenic (internal data). This suggests that this is a clinically significant region of the protein, and that variants that disrupt it are likely to be disease-causing. For these reasons, this variant has been classified as Pathogenic.

3billion
Classification: Pathogenic for Retinitis pigmentosa 3. Last evaluated: 2025-02-19. Review status: criteria provided, single submitter. Criteria: ACMG Guidelines, 2015. Collection method: clinical testing. Allele origin: germline. Affected: yes. Not counted in ClinVar's aggregate classification.
Comment: The variant is not observed in the gnomAD v4.1.0 dataset. Predicted Consequence/Location: Frameshift: predicted to result in a loss or disruption of normal protein function through protein truncation. Multiple pathogenic variants are reported in the predicted truncated region. The variant has been reported at least twice as pathogenic with clinical assertions and evidence for the classification (ClinVar ID: VCV000866114 /3billion dataset). Therefore, this variant is classified as Pathogenic according to the recommendation of ACMG/AMP guideline.

Institute of Medical Genetics and Applied Genomics, University Hospital Tübingen
Classification: Pathogenic. Last evaluated: 2021-02-01. Review status: criteria provided, single submitter. Criteria: ACMG Guidelines, 2015. Collection method: clinical testing. Allele origin: germline. Inheritance: X-linked recessive inheritance. Affected: yes. Not counted in ClinVar's aggregate classification.

Blueprint Genetics
Classification: Pathogenic for Retinal dystrophy. Last evaluated: 2018-07-26. Review status: criteria provided, single submitter. Criteria: Blueprint Genetics Variant Classification Scheme. Collection method: clinical testing. Allele origin: germline. Affected: yes. Not counted in ClinVar's aggregate classification.

PreventionGenetics, part of Exact Sciences
Classification: Pathogenic. Last evaluated: 2016-07-25. Review status: criteria provided, single submitter. Criteria: ACMG Guidelines, 2015. Collection method: clinical testing. Allele origin: germline. Not counted in ClinVar's aggregate classification.

Institute of Human Genetics, Univ. Regensburg, Univ. Regensburg
Classification: Pathogenic for Retinal dystrophy. Last evaluated: 2013-01-01. Review status: criteria provided, single submitter. Criteria: ACMG Guidelines, 2015. Collection method: clinical testing. Allele origin: germline. Affected: yes. Not counted in ClinVar's aggregate classification.

Blueprint Genetics
Classification: Pathogenic for Retinitis pigmentosa 3. Review status: no assertion criteria provided. Collection method: clinical testing. Allele origin: germline. Affected: yes. Not counted in ClinVar's aggregate classification.

Literature cited by the submitters: PubMed 10932196 (cited by Labcorp Genetics (formerly Invitae), Labcorp and Institute of Human Genetics, Univ. Regensburg, Univ. Regensburg); PubMed 23372056 (cited by Labcorp Genetics (formerly Invitae), Labcorp); PubMed 349855 (cited by Institute of Human Genetics, Univ. Regensburg, Univ. Regensburg).

NM_001034853.2(RPGR):c.2763_2764del (p.Glu922fs)

Gene: RPGR (retinitis pigmentosa GTPase regulator; minus strand). Cytogenetic location: Xp11.4.
Variant type: Deletion.
Coding change: c.2763_2764del on transcript NM_001034853.2 (MANE Select); coding-DNA positions 2763 to 2764, 2 bases deleted (GG; older notation c.2763_2764delGG).
Protein change: p.Glu922fs; shifts the reading frame from glutamic acid 922.
Molecular consequence: frameshift variant. On other transcripts: intron variant (8).
Genome position (GRCh38, 1-based): chrX:38,286,235-38,286,236, CC deleted on the plus strand (GG on the coding strand, the reverse complement: RPGR is on the minus strand); deleting any 2 consecutive bases within chrX:38,286,235-38,286,238 gives the same sequence; the c. name uses the placement nearest the transcript's 3' end. VCF-style (leftmost placement, unchanged base first): chrX-38286234-TCC-T. GRCh37 (hg19) VCF-style: chrX-38145487-TCC-T.
Other names: c.1569+4723_1569+4724del (NM_001367249.1, NM_001367250.1); c.1902+858_1902+859del (NM_001367245.1); c.1386+4723_1386+4724del (NM_001367251.1); c.1719+858_1719+859del (NM_001367246.1); c.1572+4723_1572+4724del (NM_001367247.1); c.1905+858_1905+859del (NM_000328.3); c.1602+4723_1602+4724del (NM_001367248.1); short protein forms E922fs.
Identifiers: ClinVar variation 866114 (VCV000866114.14), dbSNP rs2067157388, ClinGen allele CA916083884.
Genomic context (GRCh38, chrX:38,286,234, plus strand): 5'-TCCCCTTCCCCTTCTCCTTCCTCCTCTTCCCCCTCCCCTTCTCCTTCCTCTCCTTCCTCC[TCC>T]CCTTTCCCTTCTCCTTCCTCCTCTTCTCCCTCCCCTTCTCCTTCCTCTTCTCCCTCCCCT-3'